The following is an entry in ClinVar:

ClinVar aggregate classification (germline): Uncertain significance. Review status: criteria provided, multiple submitters, no conflicts (2 of 4 stars). 2 submissions from 2 submitters: Uncertain significance (2). Last evaluated 2025-10-05.

Submissions (2):

Labcorp Genetics (formerly Invitae), Labcorp
Classification: Uncertain significance. Last evaluated: 2025-10-05. Review status: criteria provided, single submitter. Criteria: Invitae Variant Classification Sherloc (09022015). Collection method: clinical testing. Allele origin: germline.
Comment: This sequence change replaces tyrosine, which is neutral and polar, with phenylalanine, which is neutral and non-polar, at codon 379 of the EGF protein (p.Tyr379Phe). This variant is not present in population databases (gnomAD no frequency). This variant has not been reported in the literature in individuals affected with EGF-related conditions. ClinVar contains an entry for this variant (Variation ID: 2868658). An algorithm developed to predict the effect of missense changes on protein structure and function (PolyPhen-2) suggests that this variant is likely to be tolerated. In summary, the available evidence is currently insufficient to determine the role of this variant in disease. Therefore, it has been classified as a Variant of Uncertain Significance.

Ambry Genetics
Classification: Uncertain significance. Last evaluated: 2025-06-09. Review status: criteria provided, single submitter. Criteria: Ambry Variant Classification Scheme 2023. Collection method: clinical testing. Allele origin: germline.

NM_001963.6(EGF):c.1136A>T (p.Tyr379Phe)

Gene: EGF (epidermal growth factor; plus strand). Cytogenetic location: 4q25.
Variant type: single nucleotide variant.
Coding change: c.1136A>T on transcript NM_001963.6 (MANE Select); coding-DNA position 1136, A replaced by T.
Protein change: p.Tyr379Phe; replaces tyrosine 379 with phenylalanine.
Molecular consequence: missense variant.
Genome position (GRCh38, 1-based): chr4:109,960,936, A>T. VCF-style: chr4-109960936-A-T. GRCh37 (hg19) VCF-style: chr4-110882092-A-T.
Other names: c.1136A>T (NM_001963.4); c.1136A>T, p.Tyr379Phe (NM_001178130.3); c.1010A>T, p.Tyr337Phe (NM_001178131.3, NM_001357021.2); short protein forms Y379F, Y337F.
Identifiers: ClinVar variation 2868658 (VCV002868658.4), dbSNP rs2545776364, ClinGen allele CA357879451.
Genomic context (GRCh38, chr4:109,960,936, plus strand): 5'-AATGTGCTTTTTGGAATCATGGCTGTACTCTTGGGTGTAAAAACACCCCTGGATCCTATT[A>T]CTGCACGTGCCCTGTAGGATTTGTTCTGCTTCCTGATGGGAAACGATGTCATCGTAAGTT-3'
Protein context (NP_001954.2, residues 369-389): LGCKNTPGSY[Tyr379Phe]CTCPVGFVLL